The following is an entry in ClinVar:

ClinVar aggregate classification (germline): Pathogenic (1 of 4 stars; one submission).

Conditions:
Glycogen storage disease, type IV (GSD4). Also called: AMYLOPECTINOSIS; ANDERSEN DISEASE; BRANCHER DEFICIENCY; Glycogen storage disease due to glycogen branching enzyme deficiency; CIRRHOSIS, FAMILIAL, WITH DEPOSITION OF ABNORMAL GLYCOGEN; GBE1 DEFICIENCY. Identifiers: Orphanet 367, MedGen C0017923, MONDO:0009292, OMIM 232500.
Glycogen storage disease IV, classic hepatic. Also called: GSD IV, CLASSIC HEPATIC. Identifiers: MedGen C1856301.

Submission:

Labcorp Genetics (formerly Invitae), Labcorp
Classification: Pathogenic for Glycogen storage disease, type IV; Glycogen storage disease IV, classic hepatic. Last evaluated: 2021-11-20. Review status: criteria provided, single submitter. Criteria: Invitae Variant Classification Sherloc (09022015). Collection method: clinical testing. Allele origin: germline.
Comment: This sequence change creates a premature translational stop signal (p.Trp322*) in the GBE1 gene. It is expected to result in an absent or disrupted protein product. Loss-of-function variants in GBE1 are known to be pathogenic (PMID: 15452297, 20058079). This variant is not present in population databases (gnomAD no frequency). This variant has not been reported in the literature in individuals affected with GBE1-related conditions. ClinVar contains an entry for this variant (Variation ID: 632421). For these reasons, this variant has been classified as Pathogenic.

Literature cited by the submitters: PubMed 15452297; PubMed 20058079.

NM_000158.4(GBE1):c.966G>A (p.Trp322Ter)

Gene: GBE1 (1,4-alpha-glucan branching enzyme 1; minus strand). Cytogenetic location: 3p12.2.
Variant type: single nucleotide variant.
Coding change: c.966G>A on transcript NM_000158.4 (MANE Select); coding-DNA position 966, G replaced by A.
Protein change: p.Trp322Ter; replaces tryptophan 322 with a stop codon.
Molecular consequence: nonsense.
Genome position (GRCh38, 1-based): chr3:81,642,807, C>T on the plus strand (G>A on the coding strand, the complement: GBE1 is on the minus strand). VCF-style: chr3-81642807-C-T. GRCh37 (hg19) VCF-style: chr3-81691958-C-T.
Other names: short protein forms W322*.
Identifiers: ClinVar variation 632421 (VCV000632421.9), dbSNP rs1559673456, ClinGen allele CA353687187.
Genomic context (GRCh38, chr3:81,642,807, plus strand): 5'-CAATAGAAAACATTTCTATATTGTATGTACCTACCTGGAGTAGGCAAACAATCTGCTATC[C>T]CAAAGATCATGAGTCCCTCTAGGTCCAGAATGAAAATAACAGGAATCTGTCCCATCAAAC-3'